The following is an entry in ClinVar:

ClinVar aggregate classification (germline): Uncertain significance (1 of 4 stars; one submission).

Conditions:
Multinucleated neurons-anhydramnios-renal dysplasia-cerebellar hypoplasia-hydranencephaly syndrome. Also called: Hydranencephaly with renal aplasia-dysplasia. Identifiers: Orphanet 500135, MedGen C1856053, MONDO:0009359, OMIM 236500.

Allele frequency attached by ClinVar (database versions not stated): gnomAD 0.00015 and 0.00016; TOPMed 0.00015; gnomAD exomes 0.00018 and 0.00026; 1000 Genomes Project 0.00020; ExAC 0.00022; 1000 Genomes Project 30x 0.00031; ESP Exome Variant Server 0.00031.

Submission:

Institute for Genomic Medicine (IGM) Clinical Laboratory, Nationwide Children's Hospital
Classification: Uncertain significance for Multinucleated neurons, anhydramnios, renal dysplasia, cerebellar hypoplasia, and hydranencephaly. Last evaluated: 2018-07-30. Review status: criteria provided, single submitter. Criteria: ACMG Guidelines, 2015. Collection method: clinical testing. Allele origin: germline. Affected: yes.
Comment: PM2, PM3; Based on the available evidence, this variant is classified as a Variant of Uncertain Significance (VUS).

NM_018131.5(CEP55):c.70G>A (p.Glu24Lys)

Gene: CEP55 (centrosomal protein 55; plus strand). Cytogenetic location: 10q23.33.
Variant type: single nucleotide variant.
Coding change: c.70G>A on transcript NM_018131.5 (MANE Select); coding-DNA position 70, G replaced by A.
Protein change: p.Glu24Lys; replaces glutamic acid 24 with lysine.
Molecular consequence: missense variant.
Genome position (GRCh38, 1-based): chr10:93,500,121, G>A. VCF-style: chr10-93500121-G-A. GRCh37 (hg19) VCF-style: chr10-95259878-G-A.
Other names: c.70G>A, p.Glu24Lys (NM_001127182.2); short protein forms E24K.
Identifiers: ClinVar variation 599446 (VCV000599446.5), dbSNP rs149119564, ClinGen allele CA5608816.